The following is an entry in ClinVar:

ClinVar aggregate classification (germline): Likely benign (1 of 4 stars; one submission).

Allele frequency attached by ClinVar (database versions not stated): 1000 Genomes Project 0.00120; 1000 Genomes Project 30x 0.00125; TOPMed 0.00368; ExAC 0.01342.
gnomAD v4.1: 7,324 of 1,400,442 alleles (0.52%); highest among the groups gnomAD compares: Middle Eastern, 0.68%; 19 homozygotes.

Submission:

CeGaT Center for Human Genetics Tuebingen
Classification: Likely benign. Last evaluated: 2024-01-01. Review status: criteria provided, single submitter. Criteria: CeGaT Center For Human Genetics Tuebingen Variant Classification Criteria Version 2. Collection method: clinical testing. Allele origin: germline. Affected: yes. Observed: 2 variant alleles.
Comment: KREMEN2: BP4, BP7

NM_172229.3(KREMEN2):c.1032G>A (p.Ala344=)

Gene: KREMEN2 (kringle containing transmembrane protein 2; plus strand). Cytogenetic location: 16p13.3.
Variant type: single nucleotide variant.
Coding change: c.1032G>A on transcript NM_172229.3 (MANE Select); coding-DNA position 1032, G replaced by A.
Protein change: p.Ala344=; no amino-acid change (alanine 344 retained).
Molecular consequence: synonymous variant.
Genome position (GRCh38, 1-based): chr16:2,967,378, G>A. VCF-style: chr16-2967378-G-A. GRCh37 (hg19) VCF-style: chr16-3017379-G-A.
Other names: c.915G>A, p.Ala305= (NM_001253725.2, NM_001253726.2); c.1032G>A, p.Ala344= (NM_024507.4).
Identifiers: ClinVar variation 2646093 (VCV002646093.24), dbSNP rs575798890, ClinGen allele CA7852974.
Genomic context (GRCh38, chr16:2,967,378, plus strand): 5'-AGGGCTGCAGGACGCCGCTGAGGACCCAGAGGCCCCCGAGGGCTCGGCCCAGACCCCCGC[G>A]GCGCCCCTCGACGGGGCCAACGTGAGCTGCAGCCCCAGGCCTGGGGCTCCGCCGGCCGCG-3'
Protein context (NP_757384.1, residues 334-354): EAPEGSAQTP[Ala344=]APLDGANVSC